The following is an entry in ClinVar:

NM_001111067.4(ACVR1):c.478C>T (p.Arg160Ter)

Gene: ACVR1 (activin A receptor type 1; minus strand). Cytogenetic location: 2q24.1.
Variant type: single nucleotide variant.
Coding change: c.478C>T on transcript NM_001111067.4 (MANE Select); coding-DNA position 478, C replaced by T.
Protein change: p.Arg160Ter; replaces arginine 160 with a stop codon.
Molecular consequence: nonsense.
Genome position (GRCh38, 1-based): chr2:157,778,196, G>A on the plus strand (C>T on the coding strand, the complement: ACVR1 is on the minus strand). VCF-style: chr2-157778196-G-A. GRCh37 (hg19) VCF-style: chr2-158634708-G-A.
Other names: c.478C>T, p.Arg160Ter (NM_001105.5, NM_001347663.1, NM_001347664.1 and 3 more transcripts); short protein forms R160*.
Identifiers: ClinVar variation 2036734 (VCV002036734.5), dbSNP rs188547477, ClinGen allele CA349192851.

ClinVar aggregate classification (germline): Uncertain significance. Review status: criteria provided, multiple submitters, no conflicts (2 of 4 stars). 2 submissions from 2 submitters: Uncertain significance (2). Last evaluated 2024-11-04.

gnomAD v4.1: 7 of 1,613,966 alleles (0.00043%); highest among the groups gnomAD compares: South Asian, 0.0011%; no homozygotes.

Submissions (2):

Labcorp Genetics (formerly Invitae), Labcorp
Classification: Uncertain significance. Last evaluated: 2024-11-04. Review status: criteria provided, single submitter. Criteria: Invitae Variant Classification Sherloc (09022015). Collection method: clinical testing. Allele origin: germline.
Comment: This sequence change creates a premature translational stop signal (p.Arg160*) in the ACVR1 gene. It is expected to result in an absent or disrupted protein product. However, the current clinical and genetic evidence is not sufficient to establish whether loss-of-function variants in ACVR1 cause disease. This variant is not present in population databases (gnomAD no frequency). This variant has not been reported in the literature in individuals affected with ACVR1-related conditions. ClinVar contains an entry for this variant (Variation ID: 2036734). In summary, the available evidence is currently insufficient to determine the role of this variant in disease. Therefore, it has been classified as a Variant of Uncertain Significance.

Blueprint Genetics
Classification: Uncertain significance. Last evaluated: 2022-10-18. Review status: criteria provided, single submitter. Criteria: ACMG Guidelines, 2015. Collection method: clinical testing. Allele origin: germline.